The following is an entry in ClinVar:

ClinVar aggregate classification (germline): Pathogenic (1 of 4 stars; one submission).

Submission:

Labcorp Genetics (formerly Invitae), Labcorp
Classification: Pathogenic. Last evaluated: 2025-10-22. Review status: criteria provided, single submitter. Criteria: Invitae Variant Classification Sherloc (09022015). Collection method: clinical testing. Allele origin: germline.
Comment: This variant results in the deletion of part of exon 4 (c.520_738+70del) of the KISS1R gene. While this variant is not anticipated to result in nonsense mediated decay, it likely alters RNA splicing and results in a disrupted protein product. This variant is not present in population databases (gnomAD no frequency). This variant has not been reported in the literature in individuals affected with KISS1R-related conditions. Variants that disrupt the consensus splice site are a relatively common cause of aberrant splicing (PMID: 17576681, 9536098). This variant disrupts a region of the KISS1R protein in which other variant(s) (p.Tyr323*) have been determined to be pathogenic (PMID: 25262569). This suggests that this is a clinically significant region of the protein, and that variants that disrupt it are likely to be disease-causing. For these reasons, this variant has been classified as Pathogenic.

Literature cited by the submitters: PubMed 17576681; PubMed 9536098; PubMed 25262569.

NM_032551.5(KISS1R):c.520_738+70del

Gene: KISS1R (KISS1 receptor; plus strand). Cytogenetic location: 19p13.3.
Variant type: Deletion.
Coding change: c.520_738+70del on transcript NM_032551.5 (MANE Select); coding-DNA position 520 through 70 bases into the intron after coding-DNA position 738, 289 bases deleted.
Molecular consequence: splice donor variant.
Genome position (GRCh38, 1-based): chr19:919,888-920,176, 289 bases deleted. GRCh37 (hg19): chr19:919,888-920,176.
Identifiers: ClinVar variation 4720138 (VCV004720138.1).